The following is an entry in ClinVar:

ClinVar aggregate classification (germline): Conflicting classifications of pathogenicity. Review status: criteria provided, conflicting classifications (1 of 4 stars). 2 submissions from 2 submitters: Uncertain significance (1); Likely benign (1). Last evaluated 2025-05-01.

Allele frequency attached by ClinVar (database versions not stated): ExAC 0.00022; ESP Exome Variant Server 0.00082; gnomAD 0.00093.
gnomAD v4.1: 265 of 1,612,882 alleles (0.016%); highest among the groups gnomAD compares: African/African-American, 0.28%; 5 homozygotes.

Submissions (2):

CeGaT Center for Human Genetics Tuebingen
Classification: Likely benign. Last evaluated: 2025-05-01. Review status: criteria provided, single submitter. Criteria: CeGaT Center For Human Genetics Tuebingen Variant Classification Criteria Version 2. Collection method: clinical testing. Allele origin: germline. Affected: yes. Observed: 1 variant allele.
Comment: AHNAK2: BP4

Ambry Genetics
Classification: Uncertain significance. Last evaluated: 2023-12-18. Review status: criteria provided, single submitter. Criteria: Ambry Variant Classification Scheme 2023. Collection method: clinical testing. Allele origin: germline.

NM_138420.4(AHNAK2):c.10126C>T (p.Leu3376Phe)

Gene: AHNAK2 (AHNAK nucleoprotein 2; minus strand). Cytogenetic location: 14q32.33.
Variant type: single nucleotide variant.
Coding change: c.10126C>T on transcript NM_138420.4 (MANE Select); coding-DNA position 10126, C replaced by T.
Protein change: p.Leu3376Phe; replaces leucine 3376 with phenylalanine.
Molecular consequence: missense variant.
Genome position (GRCh38, 1-based): chr14:104,945,325, G>A on the plus strand (C>T on the coding strand, the complement: AHNAK2 is on the minus strand). VCF-style: chr14-104945325-G-A. GRCh37 (hg19) VCF-style: chr14-105411662-G-A.
Other names: c.9826C>T, p.Leu3276Phe (NM_001350929.2); short protein forms L3276F, L3376F.
Identifiers: ClinVar variation 3099982 (VCV003099982.11), dbSNP rs201165355, ClinGen allele CA7379289.